The following is an entry in ClinVar:

ClinVar aggregate classification (germline): Uncertain significance (1 of 4 stars; one submission).

Allele frequency attached by ClinVar (database versions not stated): gnomAD exomes below 0.00001; TOPMed below 0.00001.
gnomAD v4.1: 2 of 1,614,200 alleles (0.00012%); highest among the groups gnomAD compares: East Asian, 0.0022%; no homozygotes.

Submission:

Labcorp Genetics (formerly Invitae), Labcorp
Classification: Uncertain significance. Last evaluated: 2023-05-12. Review status: criteria provided, single submitter. Criteria: Invitae Variant Classification Sherloc (09022015). Collection method: clinical testing. Allele origin: germline.
Comment: In summary, the available evidence is currently insufficient to determine the role of this variant in disease. Therefore, it has been classified as a Variant of Uncertain Significance. An algorithm developed to predict the effect of missense changes on protein structure and function (PolyPhen-2) suggests that this variant is likely to be tolerated. This variant has not been reported in the literature in individuals affected with IRF2BP2-related conditions. This variant is not present in population databases (gnomAD no frequency). This sequence change replaces serine, which is neutral and polar, with cysteine, which is neutral and slightly polar, at codon 396 of the IRF2BP2 protein (p.Ser396Cys).

NM_182972.3(IRF2BP2):c.1187C>G (p.Ser396Cys)

Gene: IRF2BP2 (interferon regulatory factor 2 binding protein 2; minus strand). Cytogenetic location: 1q42.3.
Variant type: single nucleotide variant.
Coding change: c.1187C>G on transcript NM_182972.3 (MANE Select); coding-DNA position 1187, C replaced by G.
Protein change: p.Ser396Cys; replaces serine 396 with cysteine.
Molecular consequence: missense variant.
Genome position (GRCh38, 1-based): chr1:234,607,714, G>C on the plus strand (C>G on the coding strand, the complement: IRF2BP2 is on the minus strand). VCF-style: chr1-234607714-G-C. GRCh37 (hg19) VCF-style: chr1-234743460-G-C.
Other names: c.1139C>G, p.Ser380Cys (NM_001077397.1); short protein forms S396C, S380C.
Identifiers: ClinVar variation 2962661 (VCV002962661.3), dbSNP rs1672201308, ClinGen allele CA345306712.